The following is an entry in ClinVar:

NM_003906.5(MCM3AP):c.99T>A (p.Phe33Leu)

Gene: MCM3AP (minichromosome maintenance complex component 3 associated protein; minus strand). Cytogenetic location: 21q22.3.
Variant type: single nucleotide variant.
Coding change: c.99T>A on transcript NM_003906.5 (MANE Select); coding-DNA position 99, T replaced by A.
Protein change: p.Phe33Leu; replaces phenylalanine 33 with leucine.
Molecular consequence: missense variant.
Genome position (GRCh38, 1-based): chr21:46,285,188, A>T on the plus strand (T>A on the coding strand, the complement: MCM3AP is on the minus strand). VCF-style: chr21-46285188-A-T. GRCh37 (hg19) VCF-style: chr21-47705102-A-T.
Other names: c.99T>A (NM_003906.4); short protein forms F33L.
Identifiers: ClinVar variation 1975155 (VCV001975155.6), dbSNP rs772368808, ClinGen allele CA410538126.

ClinVar aggregate classification (germline): Uncertain significance. Review status: criteria provided, multiple submitters, no conflicts (2 of 4 stars). 2 submissions from 2 submitters: Uncertain significance (2). Last evaluated 2024-11-25.

Allele frequency attached by ClinVar (database versions not stated): TOPMed below 0.00001.
gnomAD v4.1: 4 of 1,614,164 alleles (0.00025%); highest among the groups gnomAD compares: African/African-American, 0.004%; no homozygotes.

Submissions (2):

GeneDx
Classification: Uncertain significance. Last evaluated: 2024-11-25. Review status: criteria provided, single submitter. Criteria: GeneDx Variant Classification Process June 2021. Collection method: clinical testing. Allele origin: germline. Affected: yes.
Comment: Not observed at significant frequency in large population cohorts (gnomAD); In silico analysis supports that this missense variant has a deleterious effect on protein structure/function; Has not been previously published as pathogenic or benign to our knowledge

Labcorp Genetics (formerly Invitae), Labcorp
Classification: Uncertain significance. Last evaluated: 2022-06-03. Review status: criteria provided, single submitter. Criteria: Invitae Variant Classification Sherloc (09022015). Collection method: clinical testing. Allele origin: germline.
Comment: This variant is present in population databases (no rsID available, gnomAD 0.007%). In summary, the available evidence is currently insufficient to determine the role of this variant in disease. Therefore, it has been classified as a Variant of Uncertain Significance. Algorithms developed to predict the effect of missense changes on protein structure and function are either unavailable or do not agree on the potential impact of this missense change (SIFT: "Deleterious"; PolyPhen-2: "Probably Damaging"; Align-GVGD: "Class C0"). This variant has not been reported in the literature in individuals affected with MCM3AP-related conditions. This sequence change replaces phenylalanine, which is neutral and non-polar, with leucine, which is neutral and non-polar, at codon 33 of the MCM3AP protein (p.Phe33Leu).